The following is an entry in ClinVar:

ClinVar aggregate classification (germline): Uncertain significance (1 of 4 stars; one submission).

gnomAD v4.1: 2 of 1,612,288 alleles (0.00012%); highest among the groups gnomAD compares: Non-Finnish European, 0.00017%; no homozygotes.

Submission:

GeneDx
Classification: Uncertain significance. Last evaluated: 2024-08-01. Review status: criteria provided, single submitter. Criteria: GeneDx Variant Classification Process June 2021. Collection method: clinical testing. Allele origin: germline. Affected: yes.
Comment: Reported previously as heterozygous in patients with Parkinson disease (PMID: 29140481, 37996455); Not observed at significant frequency in large population cohorts (gnomAD); In silico analysis supports that this missense variant has a deleterious effect on protein structure/function; In silico analysis suggests this variant may impact gene splicing. In the absence of RNA/functional studies, the actual effect of this sequence change is unknown.; Also known as p.A176D; This variant is associated with the following publications: (PMID: 29140481, 8790604, 37996455)

NM_000157.4(GBA1):c.644C>A (p.Ala215Asp)

Genes: GBA1 (glucosylceramidase beta 1; minus strand), LOC106627981 (GBA recombination region; plus strand). Cytogenetic location: 1q22.
Variant type: single nucleotide variant.
Coding change: c.644C>A on transcript NM_000157.4 (MANE Select); coding-DNA position 644, C replaced by A.
Protein change: p.Ala215Asp; replaces alanine 215 with aspartic acid.
Molecular consequence: missense variant.
Genome position (GRCh38, 1-based): chr1:155,238,251, G>T on the plus strand (C>A on the coding strand, the complement: GBA1 is on the minus strand). VCF-style: chr1-155238251-G-T. GRCh37 (hg19) VCF-style: chr1-155208042-G-T.
Other names: c.644C>A, p.Ala215Asp (NM_001005741.3, NM_001005742.3); c.383C>A, p.Ala128Asp (NM_001171811.2); c.497C>A, p.Ala166Asp (NM_001171812.2); short protein forms A128D, A166D, A215D.
Identifiers: ClinVar variation 1303174 (VCV001303174.3), dbSNP rs2148076852, ClinGen allele CA342722471.
Genomic context (GRCh38, chr1:155,238,251, plus strand): 5'-GACCCCTTCCCATTCACCGCTCCATTGGTCTTGAGCCAAGTGGGTGATGTCCAGGGGCTG[G>T]CAAGGAGTGAAACGGGACGCTGGGCCAACTGCAGGGCTCGGTGAATCAGGGGTATCTAGA-3'
Protein context (NP_000148.2, residues 205-225): QLAQRPVSLL[Ala215Asp]SPWTSPTWLK